The following is an entry in ClinVar:

ClinVar aggregate classification (germline): Uncertain significance (1 of 4 stars; one submission).

Conditions:
Inborn genetic diseases. Identifiers: MedGen C0950123, MeSH D030342.

Submission:

Ambry Genetics
Classification: Uncertain significance for Inborn genetic diseases. Last evaluated: 2025-06-13. Review status: criteria provided, single submitter. Criteria: Ambry Variant Classification Scheme 2023. Collection method: clinical testing. Allele origin: germline.
Comment: The p.L234F variant (also known as c.702G>C), located in coding exon 7 of the CEP57 gene, results from a G to C substitution at nucleotide position 702. The leucine at codon 234 is replaced by phenylalanine, an amino acid with highly similar properties. This amino acid position is conserved. In addition, the in silico prediction for this alteration is inconclusive. Based on the available evidence, the clinical significance of this variant remains unclear.

NM_014679.5(CEP57):c.702G>C (p.Leu234Phe)

Gene: CEP57 (centrosomal protein 57; plus strand). Cytogenetic location: 11q21.
Variant type: single nucleotide variant.
Coding change: c.702G>C on transcript NM_014679.5 (MANE Select); coding-DNA position 702, G replaced by C.
Protein change: p.Leu234Phe; replaces leucine 234 with phenylalanine.
Molecular consequence: missense variant.
Genome position (GRCh38, 1-based): chr11:95,821,873, G>C. VCF-style: chr11-95821873-G-C. GRCh37 (hg19) VCF-style: chr11-95555037-G-C.
Other names: c.675G>C, p.Leu225Phe (NM_001243776.2); c.702G>C, p.Leu234Phe (NM_001243777.2); c.621G>C, p.Leu207Phe (NM_001363604.2); short protein forms L207F, L225F, L234F.
Identifiers: ClinVar variation 4001084 (VCV004001084.1).